The following is an entry in ClinVar:

NM_001136193.2(FASTKD2):c.882-125G>A

Gene: FASTKD2 (FAST kinase domains 2; plus strand). Cytogenetic location: 2q33.3.
Variant type: single nucleotide variant.
Coding change: c.882-125G>A on transcript NM_001136193.2 (MANE Select); 125 bases into the intron before coding-DNA position 882, G replaced by A.
Molecular consequence: intron variant.
Genome position (GRCh38, 1-based): chr2:206,771,057, G>A. VCF-style: chr2-206771057-G-A. GRCh37 (hg19) VCF-style: chr2-207635781-G-A.
Other names: c.882-125G>A (NM_001136194.2, NM_014929.4).
Identifiers: ClinVar variation 671649 (VCV000671649.1), dbSNP rs111452375, ClinGen allele CA63714099.

ClinVar aggregate classification (germline): Benign (1 of 4 stars; one submission).

Allele frequency attached by ClinVar (database versions not stated): gnomAD exomes 0.00182; gnomAD 0.01449 and 0.01555; 1000 Genomes Project 0.01597; TOPMed 0.01641; 1000 Genomes Project 30x 0.01671.
gnomAD v4.1: 3,192 of 665,206 alleles (0.48%); highest among the groups gnomAD compares: African/African-American, 5%; 81 homozygotes.

Submission:

GeneDx
Classification: Benign. Last evaluated: 2018-06-14. Review status: criteria provided, single submitter. Criteria: GeneDx Variant Classification (06012015). Collection method: clinical testing. Allele origin: germline. Affected: yes.
Comment: This variant is considered likely benign or benign based on one or more of the following criteria: it is a conservative change, it occurs at a poorly conserved position in the protein, it is predicted to be benign by multiple in silico algorithms, and/or has population frequency not consistent with disease.